The following is an entry in ClinVar:

NM_001146079.2(CLDN14):c.317G>A (p.Arg106His)

Genes: CLDN14 (claudin 14; minus strand), CLDN14-AS1 (CLDN14 antisense RNA 1; plus strand). Cytogenetic location: 21q22.13.
Variant type: single nucleotide variant.
Coding change: c.317G>A on transcript NM_001146079.2 (MANE Select); coding-DNA position 317, G replaced by A.
Protein change: p.Arg106His; replaces arginine 106 with histidine.
Molecular consequence: missense variant.
Genome position (GRCh38, 1-based): chr21:36,461,379, C>T on the plus strand (G>A on the coding strand, the complement: CLDN14 is on the minus strand). VCF-style: chr21-36461379-C-T. GRCh37 (hg19) VCF-style: chr21-37833677-C-T.
Other names: c.317G>A, p.Arg106His (NM_001146077.2, NM_001146078.3, NM_012130.4 and 1 more transcripts); short protein forms R106H.
Identifiers: ClinVar variation 423859 (VCV000423859.2), dbSNP rs747254086, ClinGen allele CA10019290.

ClinVar aggregate classification (germline): Uncertain significance (1 of 4 stars; one submission).

Allele frequency attached by ClinVar (database versions not stated): gnomAD 0.00001; gnomAD exomes below 0.00001; ExAC 0.00001; TOPMed 0.00002.

Submission:

GeneDx
Classification: Uncertain significance. Last evaluated: 2018-05-07. Review status: criteria provided, single submitter. Criteria: GeneDx Variant Classification (06012015). Collection method: clinical testing. Allele origin: germline. Affected: yes.
Comment: The R106H variant in the CLDN14 gene has not been reported previously as a pathogenic variant, nor as a benign variant, to our knowledge. The R106H variant is not observed at a significant frequency in large population cohorts (Lek et al., 2016; 1000 Genomes Consortium et al., 2015; Exome Variant Server). The R106H variant is a conservative amino acid substitution, which is not likely to impact secondary protein structure as these residues share similar properties. In addition, this substitution occurs at a position that is not conserved. In silico analysis is inconsistent in its predictions as to whether or not the variant is damaging to the protein structure/function. We interpret R106H as a variant of uncertain significance.